The following is an entry in ClinVar:

ClinVar aggregate classification (germline): Uncertain significance (1 of 4 stars; one submission).

Conditions:
Inborn genetic diseases. Identifiers: MedGen C0950123, MeSH D030342.

Submission:

Ambry Genetics
Classification: Uncertain significance for Inborn genetic diseases. Last evaluated: 2022-05-21. Review status: criteria provided, single submitter. Criteria: Ambry Variant Classification Scheme 2023. Collection method: clinical testing. Allele origin: germline.
Comment: The p.H2236N variant (also known as c.6706C>A), located in coding exon 45 of the LRRK2 gene, results from a C to A substitution at nucleotide position 6706. The histidine at codon 2236 is replaced by asparagine, an amino acid with similar properties. This amino acid position is conserved. In addition, this alteration is predicted to be tolerated by in silico analysis. Since supporting evidence is limited at this time, the clinical significance of this alteration remains unclear.

NM_198578.4(LRRK2):c.6706C>A (p.His2236Asn)

Gene: LRRK2 (leucine rich repeat kinase 2; plus strand). Cytogenetic location: 12q12.
Variant type: single nucleotide variant.
Coding change: c.6706C>A on transcript NM_198578.4 (MANE Select); coding-DNA position 6706, C replaced by A.
Protein change: p.His2236Asn; replaces histidine 2236 with asparagine.
Molecular consequence: missense variant.
Genome position (GRCh38, 1-based): chr12:40,354,428, C>A. VCF-style: chr12-40354428-C-A. GRCh37 (hg19) VCF-style: chr12-40748230-C-A.
Other names: short protein forms H2236N.
Identifiers: ClinVar variation 1755020 (VCV001755020.2), dbSNP rs2499993755, ClinGen allele CA384409392.